The following is an entry in ClinVar:

NM_014141.6(CNTNAP2):c.355G>A (p.Asp119Asn)

Gene: CNTNAP2 (contactin associated protein 2; plus strand). Cytogenetic location: 7q35.
Variant type: single nucleotide variant.
Coding change: c.355G>A on transcript NM_014141.6 (MANE Select); coding-DNA position 355, G replaced by A.
Protein change: p.Asp119Asn; replaces aspartic acid 119 with asparagine.
Molecular consequence: missense variant.
Genome position (GRCh38, 1-based): chr7:146,839,857, G>A. VCF-style: chr7-146839857-G-A. GRCh37 (hg19) VCF-style: chr7-146536949-G-A.
Other names: p.D119N:GAC>AAC; short protein forms D119N.
Identifiers: ClinVar variation 205302 (VCV000205302.15), dbSNP rs777035367, ClinGen allele CA314238.

ClinVar aggregate classification (germline): Uncertain significance. Review status: criteria provided, multiple submitters, no conflicts (2 of 4 stars). 4 submissions from 4 submitters: Uncertain significance (4). Last evaluated 2025-08-22.

Conditions:
Cortical dysplasia-focal epilepsy syndrome (PTHSL1). Also called: Pitt-Hopkins-like syndrome 1. Identifiers: Orphanet 163681, Orphanet 221150, MedGen C2750246, MONDO:0012400, OMIM 610042.
Inborn genetic diseases. Identifiers: MedGen C0950123, MeSH D030342.

Allele frequency attached by ClinVar (database versions not stated): ExAC 0.00002; gnomAD exomes 0.00002 and 0.00004; gnomAD 0.00003 and 0.00004; TOPMed 0.00003.
gnomAD v4.1: 67 of 1,613,996 alleles (0.0042%); highest among the groups gnomAD compares: Non-Finnish European, 0.0051%; no homozygotes.

Submissions (4):

Ambry Genetics
Classification: Uncertain significance for Inborn genetic diseases. Last evaluated: 2025-08-22. Review status: criteria provided, single submitter. Criteria: Ambry Variant Classification Scheme 2023. Collection method: clinical testing. Allele origin: germline.

Labcorp Genetics (formerly Invitae), Labcorp
Classification: Uncertain significance for Cortical dysplasia-focal epilepsy syndrome. Last evaluated: 2024-06-03. Review status: criteria provided, single submitter. Criteria: Invitae Variant Classification Sherloc (09022015). Collection method: clinical testing. Allele origin: germline.
Comment: This sequence change replaces aspartic acid, which is acidic and polar, with asparagine, which is neutral and polar, at codon 119 of the CNTNAP2 protein (p.Asp119Asn). This variant is present in population databases (rs777035367, gnomAD 0.01%). This variant has not been reported in the literature in individuals affected with CNTNAP2-related conditions. ClinVar contains an entry for this variant (Variation ID: 205302). An algorithm developed to predict the effect of missense changes on protein structure and function (PolyPhen-2) suggests that this variant is likely to be disruptive. In summary, the available evidence is currently insufficient to determine the role of this variant in disease. Therefore, it has been classified as a Variant of Uncertain Significance.

GeneDx
Classification: Uncertain significance. Last evaluated: 2019-07-22. Review status: criteria provided, single submitter. Criteria: GeneDx Variant Classification Process June 2021. Collection method: clinical testing. Allele origin: germline. Affected: yes.
Comment: In silico analysis, which includes protein predictors and evolutionary conservation, supports a deleterious effect; Has not been previously published as pathogenic or benign to our knowledge

Illumina Laboratory Services, Illumina
Classification: Uncertain significance for Cortical dysplasia-focal epilepsy syndrome. Last evaluated: 2018-01-12. Review status: criteria provided, single submitter. Criteria: ICSL Variant Classification Criteria 13 December 2019. Collection method: clinical testing. Allele origin: germline.